The following is an entry in ClinVar:

ClinVar aggregate classification (germline): Uncertain significance (1 of 4 stars; one submission).

Conditions:
BAP1-related tumor predisposition syndrome (TPDS1). Also called: TUMOR PREDISPOSITION SYNDROME 1; BAP1 tumor predisposition syndrome; Tumor susceptibility linked to germline BAP1 mutations; COMMON Syndrome. Identifiers: Orphanet 289539, MedGen C3280492, MONDO:0013692, OMIM 614327.

Submission:

Labcorp Genetics (formerly Invitae), Labcorp
Classification: Uncertain significance for BAP1-related tumor predisposition syndrome. Last evaluated: 2021-03-25. Review status: criteria provided, single submitter. Criteria: Invitae Variant Classification Sherloc (09022015). Collection method: clinical testing. Allele origin: germline.
Comment: In summary, the available evidence is currently insufficient to determine the role of this variant in disease. Therefore, it has been classified as a Variant of Uncertain Significance. Algorithms developed to predict the effect of missense changes on protein structure and function output the following: SIFT: "Tolerated"; PolyPhen-2: "Benign"; Align-GVGD: "Class C0". The isoleucine amino acid residue is found in multiple mammalian species, suggesting that this missense change does not adversely affect protein function. These predictions have not been confirmed by published functional studies and their clinical significance is uncertain. This variant has not been reported in the literature in individuals with BAP1-related conditions. This variant is not present in population databases (ExAC no frequency). This sequence change replaces valine with isoleucine at codon 265 of the BAP1 protein (p.Val265Ile). The valine residue is moderately conserved and there is a small physicochemical difference between valine and isoleucine.

NM_004656.4(BAP1):c.793G>A (p.Val265Ile)

Gene: BAP1 (BRCA1 associated deubiquitinase 1; minus strand). Cytogenetic location: 3p21.1.
Variant type: single nucleotide variant.
Coding change: c.793G>A on transcript NM_004656.4 (MANE Select); coding-DNA position 793, G replaced by A.
Protein change: p.Val265Ile; replaces valine 265 with isoleucine.
Molecular consequence: missense variant.
Genome position (GRCh38, 1-based): chr3:52,405,903, C>T on the plus strand (G>A on the coding strand, the complement: BAP1 is on the minus strand). VCF-style: chr3-52405903-C-T. GRCh37 (hg19) VCF-style: chr3-52439919-C-T.
Other names: short protein forms V265I.
Identifiers: ClinVar variation 1519631 (VCV001519631.8), dbSNP rs2153227284, ClinGen allele CA353106953.